The following is an entry in ClinVar:

NM_000257.4(MYH7):c.1272T>A (p.Thr424=)

Gene: MYH7 (myosin heavy chain 7; minus strand). Cytogenetic location: 14q11.2.
Variant type: single nucleotide variant.
Coding change: c.1272T>A on transcript NM_000257.4 (MANE Select); coding-DNA position 1272, T replaced by A.
Protein change: p.Thr424=; no amino-acid change (threonine 424 retained).
Molecular consequence: synonymous variant.
Genome position (GRCh38, 1-based): chr14:23,429,090, A>T on the plus strand (T>A on the coding strand, the complement: MYH7 is on the minus strand). VCF-style: chr14-23429090-A-T. GRCh37 (hg19) VCF-style: chr14-23898299-A-T.
Identifiers: ClinVar variation 454339 (VCV000454339.22), dbSNP rs1555338337, ClinGen allele CA485625263.

ClinVar aggregate classification (germline): Likely benign. Review status: criteria provided, multiple submitters, no conflicts (2 of 4 stars). 4 submissions from 4 submitters: Likely benign (4). Last evaluated 2025-08-13.

Conditions:
Cardiovascular phenotype. Identifiers: MedGen CN230736.
Hypertrophic cardiomyopathy. Also called: HYPERTROPHIC MYOCARDIOPATHY. Identifiers: Orphanet 217569, MedGen C0007194, MeSH D002312, MONDO:0005045, HP:0001639.
Cardiomyopathy (CMYO). Also called: Cardiomyopathies. Identifiers: Orphanet 167848, MedGen C0878544, MONDO:0004994, HP:0001638. Inheritance: Various modes of inheritance.

Allele frequency attached by ClinVar (database versions not stated): gnomAD 0.00001; TOPMed 0.00001.
gnomAD v4.1: 1 of 1,614,014 alleles (0.000062%); highest among the groups gnomAD compares: Non-Finnish European, 0.000085%; no homozygotes.

Submissions (4):

Labcorp Genetics (formerly Invitae), Labcorp
Classification: Likely benign for Hypertrophic cardiomyopathy. Last evaluated: 2025-08-13. Review status: criteria provided, single submitter. Criteria: Invitae Variant Classification Sherloc (09022015). Collection method: clinical testing. Allele origin: germline.

Ambry Genetics
Classification: Likely benign for Cardiovascular phenotype. Last evaluated: 2025-04-13. Review status: criteria provided, single submitter. Criteria: Ambry Variant Classification Scheme 2023. Collection method: clinical testing. Allele origin: germline.

All of Us Research Program, National Institutes of Health
Classification: Likely benign for Cardiomyopathy. Last evaluated: 2024-02-05. Review status: criteria provided, single submitter. Criteria: ACMG Guidelines, 2015. Collection method: clinical testing. Allele origin: germline. Inheritance: Autosomal dominant inheritance. Observed: 5 variant alleles, 5 heterozygotes.
Comment: This study involves interpretation of variants in research participants for the purpose of population health screening. Participant phenotype was not available at the time of variant classification. Additional details can be found in publication PMID: 35346344, PMCID: PMC8962531

Color Diagnostics, LLC DBA Color Health
Classification: Likely benign for Cardiomyopathy. Last evaluated: 2021-05-10. Review status: criteria provided, single submitter. Criteria: ACMG Guidelines, 2015. Collection method: clinical testing. Allele origin: germline.